The following is an entry in ClinVar:

NM_213599.3(ANO5):c.2222C>A (p.Ser741Tyr)

Gene: ANO5 (anoctamin 5; plus strand). Cytogenetic location: 11p14.3.
Variant type: single nucleotide variant.
Coding change: c.2222C>A on transcript NM_213599.3 (MANE Select); coding-DNA position 2222, C replaced by A.
Protein change: p.Ser741Tyr; replaces serine 741 with tyrosine.
Molecular consequence: missense variant.
Genome position (GRCh38, 1-based): chr11:22,272,976, C>A. VCF-style: chr11-22272976-C-A. GRCh37 (hg19) VCF-style: chr11-22294522-C-A.
Other names: c.2219C>A, p.Ser740Tyr (NM_001142649.2); c.2180C>A, p.Ser727Tyr (NM_001410963.1); c.2177C>A, p.Ser726Tyr (NM_001410964.1); short protein forms S726Y, S727Y, S741Y, S740Y.
Identifiers: ClinVar variation 2148025 (VCV002148025.7), dbSNP rs1216567128, ClinGen allele CA379924037.

ClinVar aggregate classification (germline): Uncertain significance. Review status: criteria provided, multiple submitters, no conflicts (2 of 4 stars). 2 submissions from 2 submitters: Uncertain significance (2). Last evaluated 2025-06-12.

Conditions:
Gnathodiaphyseal dysplasia (GDD). Also called: GNATHODIAPHYSEAL SCLEROSIS; OSTEOGENESIS IMPERFECTA WITH UNUSUAL SKELETAL LESIONS. Identifiers: Orphanet 53697, MedGen C1833736, MONDO:0008151, OMIM 166260.
Autosomal recessive limb-girdle muscular dystrophy type 2L (LGMDR12). Also called: Limb-Girdle Muscular Dystrophy R12 Anoctamin-5-Related (LGMD-R12); Limb-girdle muscular dystrophy, type 2L; MUSCULAR DYSTROPHY, LIMB-GIRDLE, AUTOSOMAL RECESSIVE 12. Identifiers: Orphanet 206549, MedGen C1969785, MONDO:0012652, OMIM 611307.

gnomAD v4.1: 13 of 1,613,890 alleles (0.00081%); highest among the groups gnomAD compares: South Asian, 0.011%; no homozygotes.

Submissions (2):

Labcorp Genetics (formerly Invitae), Labcorp
Classification: Uncertain significance for Autosomal recessive limb-girdle muscular dystrophy type 2L; Gnathodiaphyseal dysplasia. Last evaluated: 2025-06-12. Review status: criteria provided, single submitter. Criteria: Invitae Variant Classification Sherloc (09022015). Collection method: clinical testing. Allele origin: germline.
Comment: This sequence change replaces serine, which is neutral and polar, with tyrosine, which is neutral and polar, at codon 741 of the ANO5 protein (p.Ser741Tyr). This variant is present in population databases (no rsID available, gnomAD 0.006%). This missense change has been observed in individual(s) with clinical features of muscular dystrophy (PMID: 32528171, 33726816). ClinVar contains an entry for this variant (Variation ID: 2148025). Invitae Evidence Modeling of protein sequence and biophysical properties (such as structural, functional, and spatial information, amino acid conservation, physicochemical variation, residue mobility, and thermodynamic stability) indicates that this missense variant is expected to disrupt ANO5 protein function with a positive predictive value of 95%. In summary, the available evidence is currently insufficient to determine the role of this variant in disease. Therefore, it has been classified as a Variant of Uncertain Significance.

Revvity Omics, Revvity
Classification: Uncertain significance. Last evaluated: 2019-11-06. Review status: criteria provided, single submitter. Criteria: ACMG Guidelines, 2015. Collection method: clinical testing. Allele origin: germline.

Literature cited by the submitters: PubMed 32528171 (cited by Labcorp Genetics (formerly Invitae), Labcorp); PubMed 33726816 (cited by Labcorp Genetics (formerly Invitae), Labcorp).